The following is an entry in ClinVar:

NM_001124758.3(SPNS2):c.88G>A (p.Ala30Thr)

Genes: SPNS2 (SPNS lysolipid transporter 2, sphingosine-1-phosphate; plus strand), SPNS2-AS1 (SPNS2 antisense RNA 1; minus strand). Cytogenetic location: 17p13.2.
Variant type: single nucleotide variant.
Coding change: c.88G>A on transcript NM_001124758.3 (MANE Select); coding-DNA position 88, G replaced by A.
Protein change: p.Ala30Thr; replaces alanine 30 with threonine.
Molecular consequence: missense variant.
Genome position (GRCh38, 1-based): chr17:4,499,135, G>A. VCF-style: chr17-4499135-G-A. GRCh37 (hg19) VCF-style: chr17-4402430-G-A.
Other names: c.88G>A (NM_001124758.2); short protein forms A30T.
Identifiers: ClinVar variation 4589016 (VCV004589016.2).

ClinVar aggregate classification (germline): Uncertain significance. Review status: criteria provided, multiple submitters, no conflicts (2 of 4 stars). 2 submissions from 2 submitters: Uncertain significance (2). Last evaluated 2026-02-12.

Conditions:
SPNS2-related disorder. Also called: SPNS2-related condition.

gnomAD v4.1: 44 of 1,160,148 alleles (0.0038%); highest among the groups gnomAD compares: African/African-American, 0.0049%; no homozygotes.

Submissions (2):

PreventionGenetics, part of Exact Sciences
Classification: Uncertain significance for SPNS2-related condition. Last evaluated: 2026-02-12. Review status: criteria provided, single submitter. Criteria: ACMG Guidelines, 2015. Collection method: clinical testing. Allele origin: germline.
Comment: The SPNS2 c.88G>A variant is predicted to result in the amino acid substitution p.Ala30Thr. To our knowledge, this variant has not been reported in the literature. This variant is reported in 0.012% of alleles in individuals of African descent in gnomAD. At this time, the clinical significance of this variant is uncertain due to the absence of conclusive functional and genetic evidence.

Ambry Genetics
Classification: Uncertain significance. Last evaluated: 2025-10-18. Review status: criteria provided, single submitter. Criteria: Ambry Variant Classification Scheme 2023. Collection method: clinical testing. Allele origin: germline.